The following is an entry in ClinVar:

NM_001041.4(SI):c.1826G>T (p.Trp609Leu)

Gene: SI (sucrase-isomaltase; minus strand). Cytogenetic location: 3q26.1.
Variant type: single nucleotide variant.
Coding change: c.1826G>T on transcript NM_001041.4 (MANE Select); coding-DNA position 1826, G replaced by T.
Protein change: p.Trp609Leu; replaces tryptophan 609 with leucine.
Molecular consequence: missense variant.
Genome position (GRCh38, 1-based): chr3:165,046,902, C>A on the plus strand (G>T on the coding strand, the complement: SI is on the minus strand). VCF-style: chr3-165046902-C-A. GRCh37 (hg19) VCF-style: chr3-164764690-C-A.
Other names: short protein forms W609L.
Identifiers: ClinVar variation 2105012 (VCV002105012.4), dbSNP rs2473369995, ClinGen allele CA355052180.

ClinVar aggregate classification (germline): Uncertain significance (1 of 4 stars; one submission).

Submission:

Labcorp Genetics (formerly Invitae), Labcorp
Classification: Uncertain significance. Last evaluated: 2023-11-28. Review status: criteria provided, single submitter. Criteria: Invitae Variant Classification Sherloc (09022015). Collection method: clinical testing. Allele origin: germline.
Comment: This sequence change replaces tryptophan, which is neutral and slightly polar, with leucine, which is neutral and non-polar, at codon 609 of the SI protein (p.Trp609Leu). This variant is not present in population databases (gnomAD no frequency). This variant has not been reported in the literature in individuals affected with SI-related conditions. ClinVar contains an entry for this variant (Variation ID: 2105012). Advanced modeling of protein sequence and biophysical properties (such as structural, functional, and spatial information, amino acid conservation, physicochemical variation, residue mobility, and thermodynamic stability) has been performed at Invitae for this missense variant, however the output from this modeling did not meet the statistical confidence thresholds required to predict the impact of this variant on SI protein function. In summary, the available evidence is currently insufficient to determine the role of this variant in disease. Therefore, it has been classified as a Variant of Uncertain Significance.